The following is an entry in ClinVar:

ClinVar aggregate classification (germline): Uncertain significance (1 of 4 stars; one submission).

Conditions:
Harel-Yoon syndrome (HAYOS). Also called: Optic atrophy-peripheral neuropathy-developmental delay syndrome. Identifiers: Orphanet 496790, MedGen C4310677, MONDO:0014958, OMIM 617183.

Allele frequency attached by ClinVar (database versions not stated): gnomAD 0.00003 and 0.00004; TOPMed 0.00004; ExAC 0.00005; gnomAD exomes 0.00007; ESP Exome Variant Server 0.00008.
gnomAD v4.1: 63 of 1,613,816 alleles (0.0039%); highest among the groups gnomAD compares: Non-Finnish European, 0.0047%; no homozygotes.

Submissions (2):

Illumina Laboratory Services, Illumina
Classification: Uncertain significance for Harel-Yoon syndrome. Last evaluated: 2021-07-13. Review status: criteria provided, single submitter. Criteria: ICSLVariantClassificationCriteria RUGD 01 April 2020. Collection method: clinical testing. Allele origin: unknown.
Comment: The ATAD3A c.1234-3C>G variant is a splice region variant. A literature search was performed for the gene and cDNA change. No publications were found based on this search. The variant is reported at a frequency of 0.000124 in the European (non-Finnish) population of the Genome Aggregation Database (version 2.1.1). Based on the limited evidence, the c.1234-3C>G variant is classified as a variant of uncertain significance for an autosomal recessive form of Harel-Yoon syndrome.

Dr. Peter K. Rogan Lab, Western University
No classification provided (evidence only). Condition: Familial cancer of breast. Review status: no classification provided. Collection method: in vitro. Allele origin: not applicable. Functional consequence: skipped exon, retained intron. Not counted in ClinVar's aggregate classification.

NM_001170535.3(ATAD3A):c.1090-3C>G

Gene: ATAD3A (ATPase family AAA domain containing 3A; plus strand). Cytogenetic location: 1p36.33.
Variant type: single nucleotide variant.
Coding change: c.1090-3C>G on transcript NM_001170535.3 (MANE Select); 3 bases into the intron before coding-DNA position 1090, C replaced by G.
Molecular consequence: intron variant.
Genome position (GRCh38, 1-based): chr1:1,524,270, C>G. VCF-style: chr1-1524270-C-G. GRCh37 (hg19) VCF-style: chr1-1459650-C-G.
Other names: NC_000001.10:g.1459650C>G; c.1234-3C>G (NM_018188.5); c.853-3C>G (NM_001170536.3).
Identifiers: ClinVar variation 1328150 (VCV001328150.5), dbSNP rs375967157, ClinGen allele CA526204.